The following is an entry in ClinVar:

ClinVar aggregate classification (germline): Uncertain significance (1 of 4 stars; one submission).

Conditions:
Nephronophthisis 18 (NPHP18). Identifiers: Orphanet 655, MedGen C3890591, MONDO:0014374, OMIM 615862.

Allele frequency attached by ClinVar (database versions not stated): gnomAD exomes below 0.00001 and 0.00001; gnomAD 0.00001 and 0.00002; TOPMed 0.00001; ExAC 0.00002; ESP Exome Variant Server 0.00008; 1000 Genomes Project 0.00020; 1000 Genomes Project 30x 0.00031.
gnomAD v4.1: 6 of 1,543,846 alleles (0.00039%); highest among the groups gnomAD compares: East Asian, 0.0045%; no homozygotes.

Submission:

Labcorp Genetics (formerly Invitae), Labcorp
Classification: Uncertain significance for Nephronophthisis 18. Last evaluated: 2022-03-18. Review status: criteria provided, single submitter. Criteria: Invitae Variant Classification Sherloc (09022015). Collection method: clinical testing. Allele origin: germline.
Comment: This sequence change replaces valine, which is neutral and non-polar, with isoleucine, which is neutral and non-polar, at codon 312 of the CEP83 protein (p.Val312Ile). This variant is present in population databases (rs367764494, gnomAD 0.01%). This variant has not been reported in the literature in individuals affected with CEP83-related conditions. Algorithms developed to predict the effect of missense changes on protein structure and function are either unavailable or do not agree on the potential impact of this missense change (SIFT: "Not Available"; PolyPhen-2: "Benign"; Align-GVGD: "Not Available"). In summary, the available evidence is currently insufficient to determine the role of this variant in disease. Therefore, it has been classified as a Variant of Uncertain Significance.

NM_016122.3(CEP83):c.934G>A (p.Val312Ile)

Gene: CEP83 (centrosomal protein 83; minus strand). Cytogenetic location: 12q22.
Variant type: single nucleotide variant.
Coding change: c.934G>A on transcript NM_016122.3 (MANE Select); coding-DNA position 934, G replaced by A.
Protein change: p.Val312Ile; replaces valine 312 with isoleucine.
Molecular consequence: missense variant. On other transcripts: non-coding transcript variant (2).
Genome position (GRCh38, 1-based): chr12:94,370,036, C>T on the plus strand (G>A on the coding strand, the complement: CEP83 is on the minus strand). VCF-style: chr12-94370036-C-T. GRCh37 (hg19) VCF-style: chr12-94763812-C-T.
Other names: c.934G>A, p.Val312Ile (NM_001042399.2, NM_001346457.2, NM_001346460.2 and 3 more transcripts); c.622G>A, p.Val208Ile (NM_001346458.2, NM_001346459.2, NM_001346462.2 and 2 more transcripts); c.709G>A, p.Val237Ile (NM_001368041.1); c.397G>A, p.Val133Ile (NM_001368042.1); short protein forms V208I, V312I, V133I, V237I.
Identifiers: ClinVar variation 1523562 (VCV001523562.6), dbSNP rs367764494, ClinGen allele CA6721789.